The following is an entry in ClinVar:

ClinVar aggregate classification (germline): Uncertain significance (1 of 4 stars; one submission).

Allele frequency attached by ClinVar (database versions not stated): gnomAD 0.00001; gnomAD exomes 0.00001.

Submission:

Labcorp Genetics (formerly Invitae), Labcorp
Classification: Uncertain significance. Last evaluated: 2023-12-02. Review status: criteria provided, single submitter. Criteria: Invitae Variant Classification Sherloc (09022015). Collection method: clinical testing. Allele origin: germline.
Comment: This sequence change replaces arginine, which is basic and polar, with tryptophan, which is neutral and slightly polar, at codon 377 of the ZNF513 protein (p.Arg377Trp). This variant is present in population databases (no rsID available, gnomAD no frequency). This variant has not been reported in the literature in individuals affected with ZNF513-related conditions. An algorithm developed to predict the effect of missense changes on protein structure and function (PolyPhen-2) suggests that this variant is likely to be disruptive. In summary, the available evidence is currently insufficient to determine the role of this variant in disease. Therefore, it has been classified as a Variant of Uncertain Significance.

NM_144631.6(ZNF513):c.1129C>T (p.Arg377Trp)

Gene: ZNF513 (zinc finger protein 513; minus strand). Cytogenetic location: 2p23.3.
Variant type: single nucleotide variant.
Coding change: c.1129C>T on transcript NM_144631.6 (MANE Select); coding-DNA position 1129, C replaced by T.
Protein change: p.Arg377Trp; replaces arginine 377 with tryptophan.
Molecular consequence: missense variant.
Genome position (GRCh38, 1-based): chr2:27,378,042, G>A on the plus strand (C>T on the coding strand, the complement: ZNF513 is on the minus strand). VCF-style: chr2-27378042-G-A. GRCh37 (hg19) VCF-style: chr2-27600909-G-A.
Other names: c.943C>T, p.Arg315Trp (NM_001201459.2); short protein forms R377W, R315W.
Identifiers: ClinVar variation 2876458 (VCV002876458.3), dbSNP rs1163484818, ClinGen allele CA346215134.